The following is an entry in ClinVar:

ClinVar aggregate classification (germline): Uncertain significance (1 of 4 stars; one submission).

Submission:

GeneDx
Classification: Uncertain significance. Last evaluated: 2023-06-15. Review status: criteria provided, single submitter. Criteria: GeneDx Variant Classification Process June 2021. Collection method: clinical testing. Allele origin: germline. Affected: yes.
Comment: Not observed at significant frequency in large population cohorts (gnomAD); In silico analysis supports that this missense variant has a deleterious effect on protein structure/function; Has not been previously published as pathogenic or benign to our knowledge

NM_000937.5(POLR2A):c.610C>T (p.His204Tyr)

Gene: POLR2A (RNA polymerase II subunit A; plus strand). Cytogenetic location: 17p13.1.
Variant type: single nucleotide variant.
Coding change: c.610C>T on transcript NM_000937.5 (MANE Select); coding-DNA position 610, C replaced by T.
Protein change: p.His204Tyr; replaces histidine 204 with tyrosine.
Molecular consequence: missense variant.
Genome position (GRCh38, 1-based): chr17:7,496,836, C>T. VCF-style: chr17-7496836-C-T. GRCh37 (hg19) VCF-style: chr17-7400155-C-T.
Other names: short protein forms H204Y.
Identifiers: ClinVar variation 3359851 (VCV003359851.1).
Genomic context (GRCh38, chr17:7,496,836, plus strand): 5'-TGTGGGCGGTACCAGCCCAGGATCCGGCGTTCTGGCCTAGAGCTGTATGCGGAATGGAAG[C>T]ACGTTAATGAGGACTCTCAGGAGAAGAAGATCCTGCTGAGTCCAGAGCGAGTGCATGAGA-3'
Protein context (NP_000928.1, residues 194-214): SGLELYAEWK[His204Tyr]VNEDSQEKKI